The following is an entry in ClinVar:

ClinVar aggregate classification (germline): Uncertain significance (1 of 4 stars; one submission).

Conditions:
Congenital myasthenic syndrome 13 (CMS13). Also called: Myasthenic syndrome, congenital, with tubular aggregates 2; Myasthenic syndrome, congenital, 13, with tubular aggregates. Identifiers: Orphanet 353327, Orphanet 590, MedGen C3553645, MONDO:0013883, OMIM 614750.

Submission:

Illumina Laboratory Services, Illumina
Classification: Uncertain significance for Congenital myasthenic syndrome 13. Last evaluated: 2023-08-30. Review status: criteria provided, single submitter. Criteria: ICSLVariantClassificationCriteria RUGD 01 April 2020. Collection method: clinical testing. Allele origin: unknown.
Comment: The DPAGT1 c.858C>A, (p.Phe286Leu) missense variant has not, to our knowledge, been reported in the peer-reviewed literature. This variant is not observed in version 2.1.1 or version 3.1.2 of the Genome Aggregation Database. Computational evidence suggests the variant may impact the gene or gene product. Based on the available evidence, the c.858C>A, (p.Phe286Leu) variant is classified as a variant of uncertain significance for congenital myasthenic syndrome.

NM_001382.4(DPAGT1):c.858C>A (p.Phe286Leu)

Gene: DPAGT1 (dolichyl-phosphate N-acetylglucosaminephosphotransferase 1; minus strand). Cytogenetic location: 11q23.3.
Variant type: single nucleotide variant.
Coding change: c.858C>A on transcript NM_001382.4 (MANE Select); coding-DNA position 858, C replaced by A.
Protein change: p.Phe286Leu; replaces phenylalanine 286 with leucine.
Molecular consequence: missense variant.
Genome position (GRCh38, 1-based): chr11:119,097,914, G>T on the plus strand (C>A on the coding strand, the complement: DPAGT1 is on the minus strand). VCF-style: chr11-119097914-G-T. GRCh37 (hg19) VCF-style: chr11-118968624-G-T.
Other names: short protein forms F286L.
Identifiers: ClinVar variation 2637943 (VCV002637943.1), dbSNP rs2497504251, ClinGen allele CA382910383.